The following is an entry in ClinVar:

ClinVar aggregate classification (germline): Pathogenic/Likely pathogenic. Review status: criteria provided, multiple submitters, no conflicts (2 of 4 stars). 4 submissions from 4 submitters: Pathogenic (1); Likely pathogenic (2). 1 of the submissions does not count toward it. Last evaluated 2025-06-24.

Conditions:
Frontotemporal dementia and/or amyotrophic lateral sclerosis 5. Identifiers: MedGen C5436884, MONDO:0030875, OMIM 619141.

Allele frequency attached by ClinVar (database versions not stated): ExAC 0.00001; gnomAD exomes 0.00003; TOPMed 0.00006; gnomAD 0.00007.
gnomAD v4.1: 55 of 1,599,744 alleles (0.0034%); highest among the groups gnomAD compares: Non-Finnish European, 0.0045%; no homozygotes.

Submissions (4):

Institute of Human Genetics Munich, TUM University Hospital
Classification: Likely pathogenic for Frontotemporal dementia and/or amyotrophic lateral sclerosis 5. Last evaluated: 2025-06-24. Review status: criteria provided, single submitter. Criteria: Classification criteria August 2017. Collection method: clinical testing. Allele origin: germline. Inheritance: Autosomal dominant inheritance. Affected: yes. Observed: 1 variant allele.

Greenwood Genetic Center Diagnostic Laboratories, Greenwood Genetic Center
Classification: Pathogenic for Frontotemporal dementia and/or amyotrophic lateral sclerosis 5. Last evaluated: 2024-10-30. Review status: criteria provided, single submitter. Criteria: ACMG Guidelines, 2015. Collection method: clinical testing. Allele origin: germline. Affected: yes.
Comment: PS3, PP1_Strong

CeGaT Center for Human Genetics Tuebingen
Classification: Likely pathogenic. Last evaluated: 2023-09-01. Review status: criteria provided, single submitter. Criteria: CeGaT Center For Human Genetics Tuebingen Variant Classification Criteria Version 2. Collection method: clinical testing. Allele origin: germline. Affected: yes. Observed: 1 variant allele.
Comment: CCNF: PP1:Strong, PS3:Supporting, PS4:Supporting

OMIM
Classification: Pathogenic for FRONTOTEMPORAL DEMENTIA AND/OR AMYOTROPHIC LATERAL SCLEROSIS 5. Last evaluated: 2021-01-06. Review status: flagged submission. Collection method: literature only. Allele origin: germline. Not counted in ClinVar's aggregate classification.
ClinVar note: Notes: Flagging candidate with reason of insufficient supporting evidence. This gene has been classified as having a limited gene-disease relationship by a ClinGen Expert Panel.
ClinVar note: Reason: Other

Literature cited by the submitters: PubMed 27080313 (cited by Institute of Human Genetics Munich, TUM University Hospital and OMIM).

NM_001761.3(CCNF):c.1861A>G (p.Ser621Gly)

Gene: CCNF (cyclin F; plus strand). Cytogenetic location: 16p13.3.
Variant type: single nucleotide variant.
Coding change: c.1861A>G on transcript NM_001761.3 (MANE Select); coding-DNA position 1861, A replaced by G.
Protein change: p.Ser621Gly; replaces serine 621 with glycine.
Molecular consequence: missense variant.
Genome position (GRCh38, 1-based): chr16:2,455,540, A>G. VCF-style: chr16-2455540-A-G. GRCh37 (hg19) VCF-style: chr16-2505541-A-G.
Other names: c.937A>G, p.Ser313Gly (NM_001323538.2); short protein forms S621G, S313G.
Identifiers: ClinVar variation 992591 (VCV000992591.31), dbSNP rs778264897, ClinGen allele CA7842751.